The following is an entry in ClinVar:

ClinVar aggregate classification (germline): Pathogenic/Likely pathogenic. Review status: criteria provided, multiple submitters, no conflicts (2 of 4 stars). 3 submissions from 3 submitters: Pathogenic (1); Likely pathogenic (2). Last evaluated 2025-09-05.

Conditions:
DRAM2-related disorder. Also called: DRAM2-related condition.

Allele frequency attached by ClinVar (database versions not stated): gnomAD exomes below 0.00001; TOPMed 0.00001.
gnomAD v4.1: 1 of 1,519,920 alleles (0.000066%); highest among the groups gnomAD compares: Admixed American, 0.0021%; no homozygotes.

Submissions (3):

PreventionGenetics, part of Exact Sciences
Classification: Likely pathogenic for DRAM2-related condition. Last evaluated: 2025-09-05. Review status: criteria provided, single submitter. Criteria: ACMG Guidelines, 2015. Collection method: clinical testing. Allele origin: germline.
Comment: The DRAM2 c.340-2A>G variant is predicted to disrupt the AG splice acceptor site and interfere with normal splicing. To our knowledge, this variant has not been reported in the literature. This variant is absent in the large population database gnomAD. Variants that disrupt the consensus splice acceptor site in DRAM2 are an established mechanism of disease. This variant is interpreted as likely pathogenic.

Labcorp Genetics (formerly Invitae), Labcorp
Classification: Likely pathogenic. Last evaluated: 2022-11-05. Review status: criteria provided, single submitter. Criteria: Invitae Variant Classification Sherloc (09022015). Collection method: clinical testing. Allele origin: germline.
Comment: In summary, the currently available evidence indicates that the variant is pathogenic, but additional data are needed to prove that conclusively. Therefore, this variant has been classified as Likely Pathogenic. Algorithms developed to predict the effect of sequence changes on RNA splicing suggest that this variant may disrupt the consensus splice site. ClinVar contains an entry for this variant (Variation ID: 866620). This sequence change affects an acceptor splice site in intron 5 of the DRAM2 gene. It is expected to disrupt RNA splicing. Variants that disrupt the donor or acceptor splice site typically lead to a loss of protein function (PMID: 16199547), and loss-of-function variants in DRAM2 are known to be pathogenic (PMID: 25983245). This variant is not present in population databases (gnomAD no frequency). Disruption of this splice site has been observed in individual(s) with inherited retinal dystrophy (Invitae).

Blueprint Genetics
Classification: Pathogenic for DRAM2-related disorders. Last evaluated: 2022-10-18. Review status: criteria provided, single submitter. Criteria: ACMG Guidelines, 2015. Collection method: clinical testing. Allele origin: germline. Affected: yes. Observed: 4 variant alleles.

Literature cited by the submitters: PubMed 16199547 (cited by Labcorp Genetics (formerly Invitae), Labcorp); PubMed 25983245 (cited by Labcorp Genetics (formerly Invitae), Labcorp).

NM_001349884.2(DRAM2):c.340-2A>G

Gene: DRAM2 (DNA damage regulated autophagy modulator 2; minus strand). Cytogenetic location: 1p13.3.
Variant type: single nucleotide variant.
Coding change: c.340-2A>G on transcript NM_001349884.2 (MANE Select); the canonical splice acceptor site of the intron before coding-DNA position 340, A replaced by G.
Molecular consequence: splice acceptor variant.
Genome position (GRCh38, 1-based): chr1:111,120,695, T>C on the plus strand (A>G on the coding strand, the complement: DRAM2 is on the minus strand). VCF-style: chr1-111120695-T-C. GRCh37 (hg19) VCF-style: chr1-111663317-T-C.
Other names: c.340-2A>G (NM_001349885.2, NM_178454.6, NM_001349882.2 and 1 more transcripts); c.-51-2A>G (NM_001349889.2, NM_001349890.2, NM_001349891.2 and 2 more transcripts); c.70-2A>G (NM_001349887.2, NM_001349886.2, NM_001349888.2).
Identifiers: ClinVar variation 866620 (VCV000866620.6), dbSNP rs1292874452, ClinGen allele CA341819123.